The following is an entry in ClinVar:

NM_000039.3(APOA1):c.341T>C (p.Leu114Pro)

Genes: APOA1 (apolipoprotein A1; minus strand), APOA1-AS (APOA1 antisense RNA; plus strand). Cytogenetic location: 11q23.3.
Variant type: single nucleotide variant.
Coding change: c.341T>C on transcript NM_000039.3 (MANE Select); coding-DNA position 341, T replaced by C.
Protein change: p.Leu114Pro; replaces leucine 114 with proline.
Molecular consequence: missense variant.
Genome position (GRCh38, 1-based): chr11:116,836,271, A>G on the plus strand (T>C on the coding strand, the complement: APOA1 is on the minus strand). VCF-style: chr11-116836271-A-G. GRCh37 (hg19) VCF-style: chr11-116706987-A-G.
Other names: L90P; c.341T>C, p.Leu114Pro (NM_001318017.2, NM_001318018.2); c.14T>C, p.Leu5Pro (NM_001318021.2); short protein forms L114P, L5P.
Identifiers: ClinVar variation 17931 (VCV000017931.3), dbSNP rs28931575, ClinGen allele CA127583.

ClinVar aggregate classification (germline): Uncertain significance. Review status: criteria provided, single submitter (1 of 4 stars). 2 submissions from 2 submitters: Uncertain significance (1). 1 of the submissions does not count toward it. Last evaluated 2025-05-07.

Conditions:
Familial amyloid polyneuropathy, Iowa type (AMYLD3). Also called: Familial amyloid polyneuropathy type III; AMYLOIDOSIS, HEREDITARY SYSTEMIC 3; AMYLOIDOSIS, IOWA TYPE; AMYLOIDOSIS, VAN ALLEN TYPE; AMYLOIDOSIS, TYPE III; AMYLOIDOSIS, TYPE IV. Identifiers: MedGen C4551500, MONDO:0971008, OMIM 620657.

Submissions (2):

Labcorp Genetics (formerly Invitae), Labcorp
Classification: Uncertain significance. Last evaluated: 2025-05-07. Review status: criteria provided, single submitter. Criteria: Invitae Variant Classification Sherloc (09022015). Collection method: clinical testing. Allele origin: germline.
Comment: This sequence change replaces leucine, which is neutral and non-polar, with proline, which is neutral and non-polar, at codon 114 of the APOA1 protein (p.Leu114Pro). This variant is not present in population databases (gnomAD no frequency). This missense change has been observed in individual(s) with amyloidosis (PMID: 9916936). This variant is also known as Leu90Pro. ClinVar contains an entry for this variant (Variation ID: 17931). Invitae Evidence Modeling of protein sequence and biophysical properties (such as structural, functional, and spatial information, amino acid conservation, physicochemical variation, residue mobility, and thermodynamic stability) indicates that this missense variant is expected to disrupt APOA1 protein function with a positive predictive value of 95%. Experimental studies have shown that this missense change affects APOA1 function (PMID: 21296086). In summary, the available evidence is currently insufficient to determine the role of this variant in disease. Therefore, it has been classified as a Variant of Uncertain Significance.

OMIM
Classification: Pathogenic for AMYLOIDOSIS, HEREDITARY SYSTEMIC 3. Last evaluated: 1999-01-01. Review status: no assertion criteria provided. Collection method: literature only. Allele origin: germline. Not counted in ClinVar's aggregate classification.

Literature cited by the submitters: PubMed 9916936 (cited by Labcorp Genetics (formerly Invitae), Labcorp and OMIM); PubMed 21296086 (cited by Labcorp Genetics (formerly Invitae), Labcorp).